The following is an entry in ClinVar:

NM_014000.3(VCL):c.500-236A>G

Gene: VCL (vinculin; plus strand). Cytogenetic location: 10q22.2.
Variant type: single nucleotide variant.
Coding change: c.500-236A>G on transcript NM_014000.3 (MANE Select); 236 bases into the intron before coding-DNA position 500, A replaced by G.
Molecular consequence: intron variant.
Genome position (GRCh38, 1-based): chr10:74,072,494, A>G. VCF-style: chr10-74072494-A-G. GRCh37 (hg19) VCF-style: chr10-75832252-A-G.
Other names: c.500-236A>G (NM_003373.4).
Identifiers: ClinVar variation 678671 (VCV000678671.1), dbSNP rs74146315, ClinGen allele CA209693023.

ClinVar aggregate classification (germline): Benign (1 of 4 stars; one submission).

Allele frequency attached by ClinVar (database versions not stated): gnomAD 0.06358 and 0.06791; TOPMed 0.07074; 1000 Genomes Project 0.07288; 1000 Genomes Project 30x 0.07808.
gnomAD v4.1: 9,576 of 152,234 alleles (6.3%); highest among the groups gnomAD compares: African/African-American, 22%; 1,035 homozygotes.

Submission:

GeneDx
Classification: Benign. Last evaluated: 2018-06-19. Review status: criteria provided, single submitter. Criteria: GeneDx Variant Classification (06012015). Collection method: clinical testing. Allele origin: germline. Affected: yes.
Comment: This variant is considered likely benign or benign based on one or more of the following criteria: it is a conservative change, it occurs at a poorly conserved position in the protein, it is predicted to be benign by multiple in silico algorithms, and/or has population frequency not consistent with disease.